The following is an entry in ClinVar:

NM_016203.4(PRKAG2):c.89G>A (p.Arg30Lys)

Gene: PRKAG2 (protein kinase AMP-activated non-catalytic subunit gamma 2; minus strand). Cytogenetic location: 7q36.1.
Variant type: single nucleotide variant.
Coding change: c.89G>A on transcript NM_016203.4 (MANE Select); coding-DNA position 89, G replaced by A.
Protein change: p.Arg30Lys; replaces arginine 30 with lysine.
Molecular consequence: missense variant.
Genome position (GRCh38, 1-based): chr7:151,876,532, C>T on the plus strand (G>A on the coding strand, the complement: PRKAG2 is on the minus strand). VCF-style: chr7-151876532-C-T. GRCh37 (hg19) VCF-style: chr7-151573617-C-T.
Other names: c.89G>A, p.Arg30Lys (NM_001407021.1, NM_001407022.1, NM_001407023.1 and 2 more transcripts); short protein forms R30K.
Identifiers: ClinVar variation 1765411 (VCV001765411.2), dbSNP rs1338205156, ClinGen allele CA370071884.

ClinVar aggregate classification (germline): Uncertain significance (1 of 4 stars; one submission).

Conditions:
Cardiovascular phenotype. Identifiers: MedGen CN230736.

Submission:

Ambry Genetics
Classification: Uncertain significance for Cardiovascular phenotype. Last evaluated: 2021-07-12. Review status: criteria provided, single submitter. Criteria: Ambry Variant Classification Scheme 2023. Collection method: clinical testing. Allele origin: germline.
Comment: The p.R30K variant (also known as c.89G>A), located in coding exon 1 of the PRKAG2 gene, results from a G to A substitution at nucleotide position 89. The arginine at codon 30 is replaced by lysine, an amino acid with highly similar properties. This amino acid position is conserved. In addition, this alteration is predicted to be tolerated by in silico analysis. Since supporting evidence is limited at this time, the clinical significance of this alteration remains unclear.